The following is an entry in ClinVar:

ClinVar aggregate classification (germline): Uncertain significance (1 of 4 stars; one submission).

Conditions:
Progressive encephalopathy with leukodystrophy due to DECR deficiency. Identifiers: Orphanet 431361, MedGen C1857252, MONDO:0014464, OMIM 616034.

gnomAD v4.1: 2 of 1,573,784 alleles (0.00013%); highest among the groups gnomAD compares: South Asian, 0.0012%; no homozygotes.

Submission:

Labcorp Genetics (formerly Invitae), Labcorp
Classification: Uncertain significance for Progressive encephalopathy with leukodystrophy due to DECR deficiency. Last evaluated: 2022-10-21. Review status: criteria provided, single submitter. Criteria: Invitae Variant Classification Sherloc (09022015). Collection method: clinical testing. Allele origin: germline.
Comment: This sequence change replaces arginine, which is basic and polar, with glutamine, which is neutral and polar, at codon 340 of the NADK2 protein (p.Arg340Gln). This variant is not present in population databases (gnomAD no frequency). This variant has not been reported in the literature in individuals affected with NADK2-related conditions. Advanced modeling of protein sequence and biophysical properties (such as structural, functional, and spatial information, amino acid conservation, physicochemical variation, residue mobility, and thermodynamic stability) performed at Invitae indicates that this missense variant is not expected to disrupt NADK2 protein function. In summary, the available evidence is currently insufficient to determine the role of this variant in disease. Therefore, it has been classified as a Variant of Uncertain Significance.

NM_001085411.3(NADK2):c.1019G>A (p.Arg340Gln)

Gene: NADK2 (NAD kinase 2, mitochondrial; minus strand). Cytogenetic location: 5p13.2.
Variant type: single nucleotide variant.
Coding change: c.1019G>A on transcript NM_001085411.3 (MANE Select); coding-DNA position 1019, G replaced by A.
Protein change: p.Arg340Gln; replaces arginine 340 with glutamine.
Molecular consequence: missense variant.
Genome position (GRCh38, 1-based): chr5:36,200,274, C>T on the plus strand (G>A on the coding strand, the complement: NADK2 is on the minus strand). VCF-style: chr5-36200274-C-T. GRCh37 (hg19) VCF-style: chr5-36200376-C-T.
Other names: c.530G>A, p.Arg177Gln (NM_001287340.2, NM_153013.5); c.596G>A, p.Arg199Gln (NM_001287341.2); short protein forms R340Q, R199Q, R177Q.
Identifiers: ClinVar variation 2173730 (VCV002173730.4), dbSNP rs2546167817, ClinGen allele CA359452816.